The following is an entry in ClinVar:

ClinVar aggregate classification (germline): Uncertain significance (1 of 4 stars; one submission).

Submission:

Greenwood Genetic Center Diagnostic Laboratories, Greenwood Genetic Center
Classification: Uncertain significance. Last evaluated: 2024-03-25. Review status: criteria provided, single submitter. Criteria: ACMG Guidelines, 2015. Collection method: clinical testing. Allele origin: germline. Affected: yes.
Comment: Gene of Uncertain Significance

NM_001256012.3(MYH10):c.4964_4967dup (p.Leu1657fs)

Gene: MYH10 (myosin heavy chain 10; minus strand). Cytogenetic location: 17p13.1.
Variant type: Duplication.
Coding change: c.4964_4967dup on transcript NM_001256012.3 (MANE Select); coding-DNA positions 4964 to 4967, 4 bases duplicated (TAGA; older notation c.4964_4967dupTAGA).
Protein change: p.Leu1657fs; shifts the reading frame from leucine 1657.
Molecular consequence: frameshift variant.
Genome position (GRCh38, 1-based): chr17:8,487,512-8,487,515, TCTA duplicated on the plus strand (TAGA on the coding strand, the reverse complement: MYH10 is on the minus strand); duplicating any 4 consecutive bases within chr17:8,487,512-8,487,518 gives the same sequence; the c. name uses the placement nearest the transcript's 3' end. VCF-style (leftmost placement, unchanged base first): chr17-8487511-G-GTCTA. GRCh37 (hg19) VCF-style: chr17-8390829-G-GTCTA.
Other names: c.4898_4901dup, p.Leu1635fs (NM_001256095.2); c.4901_4904dup, p.Leu1636fs (NM_001375266.1); c.4871_4874dup, p.Leu1626fs (NM_005964.5); short protein forms L1626fs, L1635fs, L1636fs, L1657fs.
Identifiers: ClinVar variation 3235816 (VCV003235816.1), dbSNP rs2544207653, ClinGen allele CA2825002662.
Genomic context (GRCh38, chr17:8,487,511, plus strand): 5'-CTTAATCACCTCATCCCGAGCTTTGTTCGCAGCCTCGATTTGGGCTTCGAGGTCCTTCAG[G>GTCTA]TCTATCTCCATCTTTTTCTTTGAAGCTACAGCAAGCGCCCGCTGTTTCCTCTCATCCTCC-3'